The following is an entry in ClinVar:

ClinVar aggregate classification (germline): Benign (0 of 4 stars; one submission).

Conditions:
CLIP1-related disorder. Also called: CLIP1-related condition.

Allele frequency attached by ClinVar (database versions not stated): 1000 Genomes Project 0.00419; 1000 Genomes Project 30x 0.00437; TOPMed 0.01379; gnomAD 0.01524; ExAC 0.01707; ESP Exome Variant Server 0.01753.
gnomAD v4.1: 36,935 of 1,610,264 alleles (2.3%); highest among the groups gnomAD compares: Non-Finnish European, 2.9%; 541 homozygotes.

Submission:

PreventionGenetics, part of Exact Sciences
Classification: Benign for CLIP1-related condition. Last evaluated: 2019-08-01. Review status: no assertion criteria provided. Collection method: clinical testing. Allele origin: germline.
Comment: This variant is classified as benign based on ACMG/AMP sequence variant interpretation guidelines (Richards et al. 2015 PMID: 25741868, with internal and published modifications).

NM_001247997.2(CLIP1):c.80C>T (p.Thr27Met)

Gene: CLIP1 (CAP-Gly domain containing linker protein 1; minus strand). Cytogenetic location: 12q24.31.
Variant type: single nucleotide variant.
Coding change: c.80C>T on transcript NM_001247997.2 (MANE Select); coding-DNA position 80, C replaced by T.
Protein change: p.Thr27Met; replaces threonine 27 with methionine.
Molecular consequence: missense variant.
Genome position (GRCh38, 1-based): chr12:122,380,373, G>A on the plus strand (C>T on the coding strand, the complement: CLIP1 is on the minus strand). VCF-style: chr12-122380373-G-A. GRCh37 (hg19) VCF-style: chr12-122864920-G-A.
Other names: c.80C>T, p.Thr27Met (NM_001389291.1, NM_002956.3, NM_198240.3); short protein forms T27M.
Identifiers: ClinVar variation 3060788 (VCV003060788.2), dbSNP rs34292795, ClinGen allele CA6846019.